The following is an entry in ClinVar:

ClinVar aggregate classification (germline): Uncertain significance (1 of 4 stars; one submission).

Submission:

Labcorp Genetics (formerly Invitae), Labcorp
Classification: Uncertain significance. Last evaluated: 2025-03-03. Review status: criteria provided, single submitter. Criteria: Invitae Variant Classification Sherloc (09022015). Collection method: clinical testing. Allele origin: germline.
Comment: This sequence change replaces histidine, which is basic and polar, with tyrosine, which is neutral and polar, at codon 841 of the CYFIP2 protein (p.His841Tyr). This variant is not present in population databases (gnomAD no frequency). This variant has not been reported in the literature in individuals affected with CYFIP2-related conditions. Experimental studies and prediction algorithms are not available or were not evaluated, and the functional significance of this variant is currently unknown. In summary, the available evidence is currently insufficient to determine the role of this variant in disease. Therefore, it has been classified as a Variant of Uncertain Significance.

NM_001037333.3(CYFIP2):c.2521C>T (p.His841Tyr)

Gene: CYFIP2 (cytoplasmic FMR1 interacting protein 2; plus strand). Cytogenetic location: 5q33.3.
Variant type: single nucleotide variant.
Coding change: c.2521C>T on transcript NM_001037333.3 (MANE Select); coding-DNA position 2521, C replaced by T.
Protein change: p.His841Tyr; replaces histidine 841 with tyrosine.
Molecular consequence: missense variant.
Genome position (GRCh38, 1-based): chr5:157,339,192, C>T. VCF-style: chr5-157339192-C-T. GRCh37 (hg19) VCF-style: chr5-156766200-C-T.
Other names: c.2443C>T, p.His815Tyr (NM_001291721.2); c.2596C>T, p.His866Tyr (NM_001291722.2); c.2521C>T, p.His841Tyr (NM_014376.4); short protein forms H866Y, H841Y, H815Y.
Identifiers: ClinVar variation 4714209 (VCV004714209.1).